The following is an entry in ClinVar:

ClinVar aggregate classification (germline): Likely pathogenic (1 of 4 stars; one submission).

Submission:

Greenwood Genetic Center Diagnostic Laboratories, Greenwood Genetic Center
Classification: Likely pathogenic. Last evaluated: 2020-07-28. Review status: criteria provided, single submitter. Criteria: ACMG Guidelines, 2015. Collection method: clinical testing. Allele origin: germline. Affected: yes.
Comment: PVS1, PM2

NM_170675.5(MEIS2):c.754+2T>C

Gene: MEIS2 (Meis homeobox 2; minus strand). Cytogenetic location: 15q14.
Variant type: single nucleotide variant.
Coding change: c.754+2T>C on transcript NM_170675.5 (MANE Select); the canonical splice donor site of the intron after coding-DNA position 754, T replaced by C.
Molecular consequence: splice donor variant.
Genome position (GRCh38, 1-based): chr15:37,083,769, A>G on the plus strand (T>C on the coding strand, the complement: MEIS2 is on the minus strand). VCF-style: chr15-37083769-A-G. GRCh37 (hg19) VCF-style: chr15-37375970-A-G.
Other names: c.715+2T>C (NM_002399.4, NM_172315.3); c.754+2T>C (NM_001220482.2, NM_170676.5, NM_170674.5 and 1 more transcripts); c.490+2T>C (NM_172316.3).
Identifiers: ClinVar variation 977210 (VCV000977210.3), dbSNP rs1892542522, ClinGen allele CA391927201.
Genomic context (GRCh38, chr15:37,083,769, plus strand): 5'-TAAAATACTGAAGTTATTTTAGTCATGCCTACTTTGCACGAGGAAAATGTTTGACCTTTT[A>G]CCTTGCTCACTGCTGTTGTCTCCGCTCTGGGAAGCATGGCCCCCACTGGAGGGCCCTGGG-3'